The following is an entry in ClinVar:

ClinVar aggregate classification (germline): Uncertain significance. Review status: criteria provided, multiple submitters, no conflicts (2 of 4 stars). 2 submissions from 2 submitters: Uncertain significance (2). Last evaluated 2025-10-27.

Allele frequency attached by ClinVar (database versions not stated): 1000 Genomes Project 0.00100; 1000 Genomes Project 30x 0.00141.
gnomAD v4.1: 133 of 1,614,036 alleles (0.0082%); highest among the groups gnomAD compares: African/African-American, 0.16%; no homozygotes.

Submissions (2):

Labcorp Genetics (formerly Invitae), Labcorp
Classification: Uncertain significance. Last evaluated: 2025-10-27. Review status: criteria provided, single submitter. Criteria: Invitae Variant Classification Sherloc (09022015). Collection method: clinical testing. Allele origin: germline.
Comment: This sequence change replaces aspartic acid, which is acidic and polar, with glutamic acid, which is acidic and polar, at codon 277 of the NEK2 protein (p.Asp277Glu). This variant is present in population databases (rs143249148, gnomAD 0.1%), and has an allele count higher than expected for a pathogenic variant. This variant has not been reported in the literature in individuals affected with NEK2-related conditions. ClinVar contains an entry for this variant (Variation ID: 1479028). An algorithm developed to predict the effect of missense changes on protein structure and function outputs the following: PolyPhen-2: "Benign". The glutamic acid amino acid residue is found in multiple mammalian species, which suggests that this missense change does not adversely affect protein function. In summary, the available evidence is currently insufficient to determine the role of this variant in disease. Therefore, it has been classified as a Variant of Uncertain Significance.

Blueprint Genetics
Classification: Uncertain significance. Last evaluated: 2024-10-22. Review status: criteria provided, single submitter. Criteria: ACMG Guidelines, 2015. Collection method: clinical testing. Allele origin: germline.

NM_002497.4(NEK2):c.831C>A (p.Asp277Glu)

Gene: NEK2 (NIMA related kinase 2; minus strand). Cytogenetic location: 1q32.3.
Variant type: single nucleotide variant.
Coding change: c.831C>A on transcript NM_002497.4 (MANE Select); coding-DNA position 831, C replaced by A.
Protein change: p.Asp277Glu; replaces aspartic acid 277 with glutamic acid.
Molecular consequence: missense variant.
Genome position (GRCh38, 1-based): chr1:211,669,267, G>T on the plus strand (C>A on the coding strand, the complement: NEK2 is on the minus strand). VCF-style: chr1-211669267-G-T. GRCh37 (hg19) VCF-style: chr1-211842609-G-T.
Other names: c.831C>A, p.Asp277Glu (NM_001204182.2, NM_001204183.2); short protein forms D277E.
Identifiers: ClinVar variation 1479028 (VCV001479028.7), dbSNP rs143249148, ClinGen allele CA1381581.
Genomic context (GRCh38, chr1:211,669,267, plus strand): 5'-CTGCGATTTTTCTGGCTCTCCTAATTGTCGCCCTCTTCTCTCAAGATTTCTTCTTTGCTC[G>T]TCTGCAACCAAATCTGCTATTAAAGGGTTCTCAAGAATTTCTTCAACAGAAGGTCGATGG-3'
Protein context (NP_002488.1, residues 267-287): ENPLIADLVA[Asp277Glu]EQRRNLERRG